The following is an entry in ClinVar:

ClinVar aggregate classification (germline): Uncertain significance. Review status: criteria provided, multiple submitters, no conflicts (2 of 4 stars). 4 submissions from 4 submitters: Uncertain significance (4). Last evaluated 2026-06-29.

Conditions:
POLG-related disorder. Also called: POLG-related condition; POLG-Related Disorders; POLG-Related Spectrum Disorders. Identifiers: MedGen C4763519.
Inborn genetic diseases. Identifiers: MedGen C0950123, MeSH D030342.
Progressive sclerosing poliodystrophy (MTDPS4A). Also called: Mitochondrial DNA depletion syndrome 4A (Alpers type); NEURONAL DEGENERATION OF CHILDHOOD WITH LIVER DISEASE, PROGRESSIVE; ALPERS DIFFUSE DEGENERATION OF CEREBRAL GRAY MATTER WITH HEPATIC CIRRHOSIS; Alpers-Huttenlocher Syndrome; Mitochondrial DNA Depletion Syndrome 4A; Alpers-Huttenlocher Syndrome (AHS). Identifiers: Orphanet 726, MedGen C0205710, MONDO:0008758, OMIM 203700.

Allele frequency attached by ClinVar (database versions not stated): gnomAD exomes 0.00003 and 0.00002; TOPMed 0.00001; gnomAD 0.00003; ExAC 0.00002.
gnomAD v4.1: 26 of 1,613,992 alleles (0.0016%); highest among the groups gnomAD compares: South Asian, 0.0077%; no homozygotes.

Submissions (4):

Ambry Genetics
Classification: Uncertain significance for Inborn genetic diseases. Last evaluated: 2026-06-29. Review status: criteria provided, single submitter. Criteria: Ambry Variant Classification Scheme 2023. Collection method: clinical testing. Allele origin: germline.
Comment: The c.3212G>A (p.R1071H) alteration is located in exon 20 (coding exon 19) of the POLG gene. This alteration results from a G to A substitution at nucleotide position 3212, causing the arginine (R) at amino acid position 1071 to be replaced by a histidine (H). Based on data from gnomAD, the A allele has an overall frequency of 0.003% (7/250922) total alleles studied. The highest observed frequency was 0.013% (4/30612) of South Asian alleles. Based on insufficient or conflicting evidence, the clinical significance of this alteration remains unclear.

PreventionGenetics, part of Exact Sciences
Classification: Uncertain significance for POLG-related condition. Last evaluated: 2025-05-02. Review status: criteria provided, single submitter. Criteria: ACMG Guidelines, 2015. Collection method: clinical testing. Allele origin: germline.
Comment: The POLG c.3212G>A variant is predicted to result in the amino acid substitution p.Arg1071His. This variant was reported in trans with a pathogenic frameshift variant in an individual with paroxysmal non‐kinesigenic dyskinesias (PNKD) (Castellotti et al. 2024. PubMed ID: 39404500). This variant is reported in 0.013% of alleles in individuals of South Asian descent in gnomAD. At this time, the clinical significance of this variant is uncertain due to the absence of conclusive functional and genetic evidence.

Labcorp Genetics (formerly Invitae), Labcorp
Classification: Uncertain significance for Progressive sclerosing poliodystrophy. Last evaluated: 2025-03-18. Review status: criteria provided, single submitter. Criteria: Invitae Variant Classification Sherloc (09022015). Collection method: clinical testing. Allele origin: germline.
Comment: This sequence change replaces arginine, which is basic and polar, with histidine, which is basic and polar, at codon 1071 of the POLG protein (p.Arg1071His). This variant is present in population databases (rs774851005, gnomAD 0.01%). This variant has not been reported in the literature in individuals affected with POLG-related conditions. ClinVar contains an entry for this variant (Variation ID: 206551). Invitae Evidence Modeling of protein sequence and biophysical properties (such as structural, functional, and spatial information, amino acid conservation, physicochemical variation, residue mobility, and thermodynamic stability) has been performed for this missense variant. However, the output from this modeling did not meet the statistical confidence thresholds required to predict the impact of this variant on POLG protein function. In summary, the available evidence is currently insufficient to determine the role of this variant in disease. Therefore, it has been classified as a Variant of Uncertain Significance.

GeneDx
Classification: Uncertain significance. Last evaluated: 2012-12-20. Review status: criteria provided, single submitter. Criteria: GeneDx Variant Classification (06012015). Collection method: clinical testing. Allele origin: germline. Affected: yes.
Comment: p.Arg1071His (CGT>CAT): c.3212 G>A in exon 20 of the POLG gene (NM_002693.2). The Arg1071His missense change has not been published as a mutation, nor has it been reported as a benign polymorphism to our knowledge. The NHLBI ESP Exome Variant Project has not identified Arg1071His in approximately 6,500 individuals of European or African American ethnicity, indicating that it is not a common benign variant in these populations. The amino acid substitution is conservative, as Arginine and Histidine are both positively charged amino acids, and it alters a poorly conserved position in the POLG domain of the protein. However, many missense mutations have been reported in this region of the protein in association with POLG-related disorders, and multiple in silico algorithms predict that Arg1071His may be damaging to protein structure/function. Therefore, based on the currently available information, it is unclear whether Arg1071His is a disease-causing mutation or a rare benign variant. The variant is found in CHILD-EPI panel(s).

Literature cited by the submitters: PubMed 39404500 (cited by Ambry Genetics).

NM_002693.3(POLG):c.3212G>A (p.Arg1071His)

Gene: POLG (DNA polymerase gamma, catalytic subunit; minus strand). Cytogenetic location: 15q26.1.
Variant type: single nucleotide variant.
Coding change: c.3212G>A on transcript NM_002693.3 (MANE Select); coding-DNA position 3212, G replaced by A.
Protein change: p.Arg1071His; replaces arginine 1071 with histidine.
Molecular consequence: missense variant.
Genome position (GRCh38, 1-based): chr15:89,318,992, C>T on the plus strand (G>A on the coding strand, the complement: POLG is on the minus strand). VCF-style: chr15-89318992-C-T. GRCh37 (hg19) VCF-style: chr15-89862223-C-T.
Other names: p.R1071H:CGT>CAT; c.3212G>A, p.Arg1071His (NM_001126131.2); short protein forms R1071H.
Identifiers: ClinVar variation 206551 (VCV000206551.12), dbSNP rs774851005, ClinGen allele CA316746.
Genomic context (GRCh38, chr15:89,318,992, plus strand): 5'-TCTTCCTGGACAGCCGAGGGCTCCAGGGCTCGGCTGATGCAGCAGCCCAGCACCGGGGTA[C>T]GTGGTATGTCAGACGTAGCAATGCTCTCAAGCTTATTGAACATTTCTGACTCTGTGCCCC-3'
Protein context (NP_002684.1, residues 1061-1081): LESIATSDIP[Arg1071His]TPVLGCCISR